The following is an entry in ClinVar:

NM_006946.4(SPTBN2):c.6230C>T (p.Ala2077Val)

Gene: SPTBN2 (spectrin beta, non-erythrocytic 2; minus strand). Cytogenetic location: 11q13.2.
Variant type: single nucleotide variant.
Coding change: c.6230C>T on transcript NM_006946.4 (MANE Select); coding-DNA position 6230, C replaced by T.
Protein change: p.Ala2077Val; replaces alanine 2077 with valine.
Molecular consequence: missense variant.
Genome position (GRCh38, 1-based): chr11:66,688,654, G>A on the plus strand (C>T on the coding strand, the complement: SPTBN2 is on the minus strand). VCF-style: chr11-66688654-G-A. GRCh37 (hg19) VCF-style: chr11-66456125-G-A.
Other names: c.6230C>T (NM_006946.2); c.6251C>T, p.Ala2084Val (NM_001411025.1); short protein forms A2077V, A2084V.
Identifiers: ClinVar variation 1802192 (VCV001802192.5), dbSNP rs748587973, ClinGen allele CA6128028.
Genomic context (GRCh38, chr11:66,688,654, plus strand): 5'-AGCCAGCACAGGTCAGGGGAGCAGGTTGGAGTGGGCATCCGGGGTCCTGTGTCCCTCACC[G>A]CAGTAAGCTTCTCCAGCGCACAGAATCGCTCCTCCCAGGCCACTGCTGACTTCTGGAAGG-3'
Protein context (NP_008877.2, residues 2067-2087): ERFCALEKLT[Ala2077Val]LEEREKERKR

ClinVar aggregate classification (germline): Conflicting classifications of pathogenicity. Review status: criteria provided, conflicting classifications (1 of 4 stars). 3 submissions from 3 submitters: Likely pathogenic (1); Uncertain significance (2). Last evaluated 2024-06-04.

Conditions:
Inborn genetic diseases. Identifiers: MedGen C0950123, MeSH D030342.
Autosomal recessive spinocerebellar ataxia 14. Also called: CEREBELLAR ATAXIA, AUTOSOMAL RECESSIVE, SPECTRIN-ASSOCIATED, 1. Identifiers: Orphanet 352403, MedGen C4706415, MONDO:0014159, OMIM 615386.
Spinocerebellar ataxia type 5 (SCA5). Identifiers: Orphanet 98766, MedGen C0752123, MONDO:0010848, OMIM 600224.

Allele frequency attached by ClinVar (database versions not stated): TOPMed 0.00001; gnomAD 0.00003; ExAC 0.00008.
gnomAD v4.1: 52 of 1,613,670 alleles (0.0032%); highest among the groups gnomAD compares: South Asian, 0.045%; no homozygotes.

Submissions (3):

GeneDx
Classification: Uncertain significance. Last evaluated: 2024-06-04. Review status: criteria provided, single submitter. Criteria: GeneDx Variant Classification Process June 2021. Collection method: clinical testing. Allele origin: germline. Affected: yes.
Comment: In silico analysis indicates that this missense variant does not alter protein structure/function; Has not been previously published as pathogenic or benign to our knowledge

Diagnostics Services (NGS), CSIR - Centre For Cellular And Molecular Biology
Classification: Likely pathogenic for Spinocerebellar ataxia type 5; Autosomal recessive spinocerebellar ataxia 14. Last evaluated: 2022-06-07. Review status: criteria provided, single submitter. Criteria: ACMG Guidelines, 2015. Collection method: clinical testing. Allele origin: unknown. Affected: yes. Observed: 1 variant allele, 1 heterozygote.
Comment: The c.6230C>T variant is not present in publicly available population databases like 1000 Genomes, Exome Variant Server (EVS) and Indian Exome Database. The heterozygous state of the variant is present in Exome Aggregation Consortium (ExAC) and Genome Aggregation Database (gnomAD), at a very low frequency. The variant is not present in our in-house exome database. The variant was not previously reported to Clinvar, Human Genome Mutation Database (HGMD) and/or OMIM databases in any affected individuals. Predictions from different in-silico pathogenicity prediction programs like SIFT, PolyPhen-2, MutationTaster2, CADD, Varsome etc. are contradictory. The variant is located near the exon-intron junction (distance 2 bp) and different algorithms to predict mRNA splicing abnormalities, predicted this variant to affect splicing, however these predictions were not confirmed by any published transcriptional studies.

Ambry Genetics
Classification: Uncertain significance for Inborn genetic diseases. Last evaluated: 2021-08-13. Review status: criteria provided, single submitter. Criteria: Ambry Variant Classification Scheme 2023. Collection method: clinical testing. Allele origin: germline.